The following is an entry in ClinVar:

NM_022455.5(NSD1):c.1807T>C (p.Ser603Pro)

Gene: NSD1 (nuclear receptor binding SET domain protein 1; plus strand). Cytogenetic location: 5q35.3.
Variant type: single nucleotide variant.
Coding change: c.1807T>C on transcript NM_022455.5 (MANE Select); coding-DNA position 1807, T replaced by C.
Protein change: p.Ser603Pro; replaces serine 603 with proline.
Molecular consequence: missense variant.
Genome position (GRCh38, 1-based): chr5:177,210,206, T>C. VCF-style: chr5-177210206-T-C. GRCh37 (hg19) VCF-style: chr5-176637207-T-C.
Other names: c.934T>C, p.Ser312Pro (NM_001365684.2, NM_001409306.1, NM_001409307.1 and 3 more transcripts); c.1807T>C, p.Ser603Pro (NM_001409301.1, NM_001409302.1, NM_001409303.1); c.1387T>C, p.Ser463Pro (NM_001409304.1); c.1054T>C, p.Ser352Pro (NM_001409305.1); short protein forms S352P, S312P, S463P, S603P.
Identifiers: ClinVar variation 4713624 (VCV004713624.1).

ClinVar aggregate classification (germline): Uncertain significance (1 of 4 stars; one submission).

gnomAD v4.1: 4 of 1,596,828 alleles (0.00025%); highest among the groups gnomAD compares: Non-Finnish European, 0.00034%; no homozygotes.

Submission:

Labcorp Genetics (formerly Invitae), Labcorp
Classification: Uncertain significance. Last evaluated: 2025-04-17. Review status: criteria provided, single submitter. Criteria: Invitae Variant Classification Sherloc (09022015). Collection method: clinical testing. Allele origin: germline.
Comment: This sequence change replaces serine, which is neutral and polar, with proline, which is neutral and non-polar, at codon 603 of the NSD1 protein (p.Ser603Pro). This variant is not present in population databases (gnomAD no frequency). This variant has not been reported in the literature in individuals affected with NSD1-related conditions. Invitae Evidence Modeling of protein sequence and biophysical properties (such as structural, functional, and spatial information, amino acid conservation, physicochemical variation, residue mobility, and thermodynamic stability) indicates that this missense variant is not expected to disrupt NSD1 protein function with a negative predictive value of 80%. In summary, the available evidence is currently insufficient to determine the role of this variant in disease. Therefore, it has been classified as a Variant of Uncertain Significance.